The following is an entry in ClinVar:

NM_004614.5(TK2):c.166G>A (p.Glu56Lys)

Gene: TK2 (thymidine kinase 2; minus strand). Cytogenetic location: 16q21.
Variant type: single nucleotide variant.
Coding change: c.166G>A on transcript NM_004614.5 (MANE Select); coding-DNA position 166, G replaced by A.
Protein change: p.Glu56Lys; replaces glutamic acid 56 with lysine.
Molecular consequence: missense variant. On other transcripts: 5 prime UTR variant (1), non-coding transcript variant (1), intron variant (1).
Genome position (GRCh38, 1-based): chr16:66,541,944, C>T on the plus strand (G>A on the coding strand, the complement: TK2 is on the minus strand). VCF-style: chr16-66541944-C-T. GRCh37 (hg19) VCF-style: chr16-66575847-C-T.
Other names: c.73G>A, p.Glu25Lys (NM_001172643.1, NM_001271935.1); c.166G>A, p.Glu56Lys (NM_001172645.2); c.19G>A, p.Glu7Lys (NM_001271934.2); c.-126G>A (NM_001272050.2); c.157-4927G>A (NM_001172644.2); short protein forms E56K, E7K, E25K.
Identifiers: ClinVar variation 2316311 (VCV002316311.6), dbSNP rs1203258681, ClinGen allele CA396192672.

ClinVar aggregate classification (germline): Uncertain significance. Review status: criteria provided, multiple submitters, no conflicts (2 of 4 stars). 2 submissions from 2 submitters: Uncertain significance (2). Last evaluated 2026-01-01.

Conditions:
Inborn genetic diseases. Identifiers: MedGen C0950123, MeSH D030342.

Allele frequency attached by ClinVar (database versions not stated): gnomAD exomes 0.00001.
gnomAD v4.1: 12 of 1,614,090 alleles (0.00074%); highest among the groups gnomAD compares: Non-Finnish European, 0.001%; no homozygotes.

Submissions (2):

CeGaT Center for Human Genetics Tuebingen
Classification: Uncertain significance. Last evaluated: 2026-01-01. Review status: criteria provided, single submitter. Criteria: CeGaT Center For Human Genetics Tuebingen Variant Classification Criteria Version 2. Collection method: clinical testing. Allele origin: germline. Affected: yes. Observed: 1 variant allele.
Comment: TK2: PM2, PP3

Ambry Genetics
Classification: Uncertain significance for Inborn genetic diseases. Last evaluated: 2022-10-04. Review status: criteria provided, single submitter. Criteria: Ambry Variant Classification Scheme 2023. Collection method: clinical testing. Allele origin: germline.